The following is an entry in ClinVar:

NM_000435.3(NOTCH3):c.5992C>T (p.Arg1998Cys)

Gene: NOTCH3 (notch receptor 3; minus strand). Cytogenetic location: 19p13.12.
Variant type: single nucleotide variant.
Coding change: c.5992C>T on transcript NM_000435.3 (MANE Select); coding-DNA position 5992, C replaced by T.
Protein change: p.Arg1998Cys; replaces arginine 1998 with cysteine.
Molecular consequence: missense variant.
Genome position (GRCh38, 1-based): chr19:15,161,636, G>A on the plus strand (C>T on the coding strand, the complement: NOTCH3 is on the minus strand). VCF-style: chr19-15161636-G-A. GRCh37 (hg19) VCF-style: chr19-15272447-G-A.
Other names: p.Arg1998Cys; short protein forms R1998C.
Identifiers: ClinVar variation 706121 (VCV000706121.21), dbSNP rs201105335, ClinGen allele CA9262452.
Genomic context (GRCh38, chr19:15,161,636, plus strand): 5'-GGTGCAGTCTCTCCTGGGCTACGTCCCGCGGCAGCCTGTCCAGGTGGTCGGTGATCTCAC[G>A]GTTGGCAAAGTGGTCCAACAGCAGCTTGGCAGCCTCATAGCTGCCCTCGCGGGCGGCCAG-3'
Protein context (NP_000426.2, residues 1988-2008): AKLLLDHFAN[Arg1998Cys]EITDHLDRLP

ClinVar aggregate classification (germline): Conflicting classifications of pathogenicity. Review status: criteria provided, conflicting classifications (1 of 4 stars). 9 submissions from 9 submitters: Uncertain significance (1); Benign (3); Likely benign (5). Last evaluated 2026-07-01.

Conditions:
Inborn genetic diseases. Identifiers: MedGen C0950123, MeSH D030342.
Cerebral arteriopathy, autosomal dominant, with subcortical infarcts and leukoencephalopathy, type 1 (CADASIL1). Also called: CADASIL 1; CASIL; Cerebral arteriopathy with subcortical infarcts and leukoencephalopathy 1; DEMENTIA, HEREDITARY MULTIINFARCT TYPE. Identifiers: Orphanet 136, MedGen C4551768, MONDO:0000914, OMIM 125310.

Allele frequency attached by ClinVar (database versions not stated): gnomAD exomes 0.00013; ExAC 0.00015; 1000 Genomes Project 30x 0.00031; TOPMed 0.00036; 1000 Genomes Project 0.00040; gnomAD 0.00042 and 0.00046; ESP Exome Variant Server 0.00046.
gnomAD v4.1: 128 of 1,613,706 alleles (0.0079%); highest among the groups gnomAD compares: African/African-American, 0.14%; no homozygotes.

Submissions (9):

Ambry Genetics
Classification: Uncertain significance for Inborn genetic diseases. Last evaluated: 2026-07-01. Review status: criteria provided, single submitter. Criteria: Ambry Variant Classification Scheme 2023. Collection method: clinical testing. Allele origin: germline.
Comment: The p.R1998C variant (also known as c.5992C>T), located in coding exon 33 of the NOTCH3 gene, results from a C to T substitution at nucleotide position 5992. The arginine at codon 1998 is replaced by cysteine, an amino acid with highly dissimilar properties. This amino acid position is conserved. In addition, the in silico prediction for this alteration is inconclusive. Based on the available evidence, the clinical significance of this variant remains unclear.

Labcorp Genetics (formerly Invitae), Labcorp
Classification: Likely benign. Last evaluated: 2025-11-13. Review status: criteria provided, single submitter. Criteria: Invitae Variant Classification Sherloc (09022015). Collection method: clinical testing. Allele origin: germline.

Women's Health and Genetics/Laboratory Corporation of America, LabCorp
Classification: Likely benign. Last evaluated: 2025-07-30. Review status: criteria provided, single submitter. Criteria: LabCorp Variant Classification Summary - May 2015. Collection method: clinical testing. Allele origin: germline.

ARUP Laboratories, Molecular Genetics and Genomics, ARUP Laboratories
Classification: Likely benign. Last evaluated: 2025-06-03. Review status: criteria provided, single submitter. Criteria: ARUP Molecular Germline Variant Investigation Process 2024. Collection method: clinical testing. Allele origin: germline.

Athena Diagnostics
Classification: Benign. Last evaluated: 2025-03-31. Review status: criteria provided, single submitter. Criteria: Athena Diagnostics Criteria. Collection method: clinical testing. Allele origin: unknown.
Comment: The frequency of this variant in the general population is higher than would generally be expected for pathogenic variants in this gene.

Mayo Clinic Laboratories, Mayo Clinic
Classification: Benign. Last evaluated: 2023-03-27. Review status: criteria provided, single submitter. Criteria: ACMG Guidelines, 2015. Collection method: clinical testing. Allele origin: germline. Observed: 4 variant alleles.
Comment: BS1, BS2

Blueprint Genetics
Classification: Likely benign. Last evaluated: 2022-01-26. Review status: criteria provided, single submitter. Criteria: ACMG Guidelines, 2015. Collection method: clinical testing. Allele origin: germline.

Illumina Laboratory Services, Illumina
Classification: Benign for Cerebral arteriopathy, autosomal dominant, with subcortical infarcts and leukoencephalopathy, type 1. Last evaluated: 2018-01-12. Review status: criteria provided, single submitter. Criteria: ICSL Variant Classification Criteria 13 December 2019. Collection method: clinical testing. Allele origin: germline.
Comment: This variant was observed in the ICSL laboratory as part of a predisposition screen in an ostensibly healthy population. It had not been previously curated by ICSL or reported in the Human Gene Mutation Database (HGMD: prior to June 1st, 2018), and was therefore a candidate for classification through an automated scoring system. Utilizing variant allele frequency, disease prevalence and penetrance estimates, and inheritance mode, an automated score was calculated to assess if this variant is too frequent to cause the disease. Based on the score and internal cut-off values, a variant classified as benign is not then subjected to further curation. The score for this variant resulted in a classification of benign for this disease.

Breakthrough Genomics
Classification: Likely benign. Review status: criteria provided, single submitter. Criteria: ACMG Guidelines, 2015. Collection method: not provided. Allele origin: germline. Inheritance: Autosomal dominant inheritance. Affected: yes.

Literature cited by the submitters: PubMed 31924337 (cited by Mayo Clinic Laboratories, Mayo Clinic).